The following is an entry in ClinVar:

ClinVar aggregate classification (germline): Benign. Review status: criteria provided, multiple submitters, no conflicts (2 of 4 stars). 6 submissions from 6 submitters: Benign (6). Last evaluated 2026-02-04.

Conditions:
Autosomal recessive nonsyndromic hearing loss 91. Identifiers: Orphanet 90636, MedGen C3150704, MONDO:0013269, OMIM 613453.

Allele frequency attached by ClinVar (database versions not stated): gnomAD 0.28827 and 0.29436; ExAC 0.34104; gnomAD exomes 0.31900 and 0.34878; ESP Exome Variant Server 0.27418; TOPMed 0.30277; 1000 Genomes Project 30x 0.33588; 1000 Genomes Project 0.34125.
gnomAD v4.1: 511,408 of 1,613,822 alleles (32%); highest among the groups gnomAD compares: East Asian, 50%; 83,768 homozygotes.

Submissions (6):

Labcorp Genetics (formerly Invitae), Labcorp
Classification: Benign. Last evaluated: 2026-02-04. Review status: criteria provided, single submitter. Criteria: Invitae Variant Classification Sherloc (09022015). Collection method: clinical testing. Allele origin: germline.

Genome-Nilou Lab
Classification: Benign for Autosomal recessive nonsyndromic hearing loss 91. Last evaluated: 2021-07-15. Review status: criteria provided, single submitter. Criteria: ACMG Guidelines, 2015. Collection method: clinical testing. Allele origin: germline. Affected: no.

Mayo Clinic Laboratories, Mayo Clinic
Classification: Benign. Last evaluated: 2020-09-04. Review status: criteria provided, single submitter. Criteria: ACMG Guidelines, 2015. Collection method: clinical testing. Allele origin: germline. Observed: 89 variant alleles.

GeneDx
Classification: Benign. Last evaluated: 2017-05-09. Review status: criteria provided, single submitter. Criteria: GeneDx Variant Classification (06012015). Collection method: clinical testing. Allele origin: germline. Affected: yes.
Comment: This variant is considered likely benign or benign based on one or more of the following criteria: it is a conservative change, it occurs at a poorly conserved position in the protein, it is predicted to be benign by multiple in silico algorithms, and/or has population frequency not consistent with disease.

Laboratory for Molecular Medicine, Mass General Brigham Personalized Medicine
Classification: Benign. Last evaluated: 2012-05-07. Review status: criteria provided, single submitter. Criteria: LMM Criteria. Collection method: clinical testing. Allele origin: germline. Observed: 920 variant alleles.
Comment: "Thr18Thr in Exon 03 of SERPINB6: This variant is not expected to have clinical significance because it does not alter an amino acid residue, is not located wit hin the splice consensus sequence, and has been identified in 32.1% (2253/7020) of European American chromosomes from a broad population by the NHLBI Exome Sequ encing Project (dbSNP rs2236277)."

PreventionGenetics, part of Exact Sciences
Classification: Benign. Review status: criteria provided, single submitter. Criteria: ACMG Guidelines, 2015. Collection method: clinical testing. Allele origin: germline.

NM_004568.6(SERPINB6):c.54G>A (p.Thr18=)

Gene: SERPINB6 (serpin family B member 6; minus strand). Cytogenetic location: 6p25.2.
Variant type: single nucleotide variant.
Coding change: c.54G>A on transcript NM_004568.6 (MANE Select); coding-DNA position 54, G replaced by A.
Protein change: p.Thr18=; no amino-acid change (threonine 18 retained).
Molecular consequence: synonymous variant. On other transcripts: non-coding transcript variant (1), intron variant (1).
Genome position (GRCh38, 1-based): chr6:2,959,279, C>T on the plus strand (G>A on the coding strand, the complement: SERPINB6 is on the minus strand). VCF-style: chr6-2959279-C-T. GRCh37 (hg19) VCF-style: chr6-2959513-C-T.
Other names: p.Thr18=; c.66G>A, p.Thr22= (NM_001195291.3, NM_001374515.1); c.96G>A, p.Thr32= (NM_001271822.2); c.111G>A, p.Thr37= (NM_001271823.2); c.54G>A, p.Thr18= (NM_001271824.2, NM_001271825.2, NM_001297699.2 and 2 more transcripts); c.34-3609G>A (NM_001374517.1).
Identifiers: ClinVar variation 44135 (VCV000044135.16), dbSNP rs2236277, ClinGen allele CA133647.